The following is an entry in ClinVar:

NM_024642.5(GALNT12):c.615A>C (p.Arg205Ser)

Gene: GALNT12 (polypeptide N-acetylgalactosaminyltransferase 12; plus strand). Cytogenetic location: 9q22.33.
Variant type: single nucleotide variant.
Coding change: c.615A>C on transcript NM_024642.5 (MANE Select); coding-DNA position 615, A replaced by C.
Protein change: p.Arg205Ser; replaces arginine 205 with serine.
Molecular consequence: missense variant.
Genome position (GRCh38, 1-based): chr9:98,826,825, A>C. VCF-style: chr9-98826825-A-C. GRCh37 (hg19) VCF-style: chr9-101589107-A-C.
Other names: short protein forms R205S.
Identifiers: ClinVar variation 826216 (VCV000826216.6), dbSNP rs1588446598, ClinGen allele CA374217521.

ClinVar aggregate classification (germline): Uncertain significance (1 of 4 stars; one submission).

gnomAD v4.1: 3 of 1,612,002 alleles (0.00019%); highest among the groups gnomAD compares: Non-Finnish European, 0.00025%; no homozygotes.

Submission:

Ambry Genetics
Classification: Uncertain significance. Last evaluated: 2025-06-21. Review status: criteria provided, single submitter. Criteria: Ambry Variant Classification Scheme 2023. Collection method: clinical testing. Allele origin: germline.
Comment: The p.R205S variant (also known as c.615A>C), located in coding exon 3 of the GALNT12 gene, results from an A to C substitution at nucleotide position 615. The arginine at codon 205 is replaced by serine, an amino acid with dissimilar properties. This amino acid position is highly conserved in available vertebrate species. In addition, this alteration is predicted to be deleterious by in silico analysis. Since supporting evidence is limited at this time, the clinical significance of this alteration remains unclear.